The following is an entry in ClinVar:

ClinVar aggregate classification (germline): Pathogenic. Review status: criteria provided, single submitter (1 of 4 stars). 2 submissions from 2 submitters: Pathogenic (1). 1 of the submissions does not count toward it. Last evaluated 2024-05-31.

Conditions:
Complex cortical dysplasia with other brain malformations 1. Identifiers: Orphanet 300570, MedGen C3808397, MONDO:0013541, OMIM 614039.

Submissions (2):

Labcorp Genetics (formerly Invitae), Labcorp
Classification: Pathogenic. Last evaluated: 2024-05-31. Review status: criteria provided, single submitter. Criteria: Invitae Variant Classification Sherloc (09022015). Collection method: clinical testing. Allele origin: germline.
Comment: This sequence change replaces methionine, which is neutral and non-polar, with valine, which is neutral and non-polar, at codon 323 of the TUBB3 protein (p.Met323Val). This variant is not present in population databases (gnomAD no frequency). This missense change has been observed in individual(s) with TUBB3-related conditions (PMID: 20829227, 33921132; Invitae). In at least one individual the variant was observed to be de novo. ClinVar contains an entry for this variant (Variation ID: 30272). Advanced modeling of protein sequence and biophysical properties (such as structural, functional, and spatial information, amino acid conservation, physicochemical variation, residue mobility, and thermodynamic stability) performed at Invitae indicates that this missense variant is not expected to disrupt TUBB3 protein function with a negative predictive value of 80%. Experimental studies have shown that this missense change affects TUBB3 function (PMID: 29382549, 31226147). For these reasons, this variant has been classified as Pathogenic.

OMIM
Classification: Pathogenic for CORTICAL DYSPLASIA, COMPLEX, WITH OTHER BRAIN MALFORMATIONS 1. Last evaluated: 2010-11-15. Review status: no assertion criteria provided. Collection method: literature only. Allele origin: germline. Not counted in ClinVar's aggregate classification.

Literature cited by the submitters: PubMed 20829227 (cited by Labcorp Genetics (formerly Invitae), Labcorp and OMIM); PubMed 33921132 (cited by Labcorp Genetics (formerly Invitae), Labcorp); PubMed 29382549 (cited by Labcorp Genetics (formerly Invitae), Labcorp); PubMed 31226147 (cited by Labcorp Genetics (formerly Invitae), Labcorp).

NM_006086.4(TUBB3):c.967A>G (p.Met323Val)

Gene: TUBB3 (tubulin beta 3 class III; plus strand). Cytogenetic location: 16q24.3.
Variant type: single nucleotide variant.
Coding change: c.967A>G on transcript NM_006086.4 (MANE Select); coding-DNA position 967, A replaced by G.
Protein change: p.Met323Val; replaces methionine 323 with valine.
Molecular consequence: missense variant.
Genome position (GRCh38, 1-based): chr16:89,935,418, A>G. VCF-style: chr16-89935418-A-G. GRCh37 (hg19) VCF-style: chr16-90001826-A-G.
Other names: c.751A>G, p.Met251Val (NM_001197181.2); short protein forms M323V, M251V.
Identifiers: ClinVar variation 30272 (VCV000030272.5), dbSNP rs878853256, ClinGen allele CA10575548.
Genomic context (GRCh38, chr16:89,935,418, plus strand): 5'-TGCGACCCGCGCCACGGCCGCTACCTGACGGTGGCCACCGTGTTCCGGGGCCGCATGTCC[A>G]TGAAGGAGGTGGACGAGCAGATGCTGGCCATCCAGAGCAAGAACAGCAGCTACTTCGTGG-3'
Protein context (NP_006077.2, residues 313-333): VATVFRGRMS[Met323Val]KEVDEQMLAI